The following is an entry in ClinVar:

ClinVar aggregate classification (germline): Likely benign (1 of 4 stars; one submission).

Submission:

CeGaT Center for Human Genetics Tuebingen
Classification: Likely benign. Last evaluated: 2025-05-01. Review status: criteria provided, single submitter. Criteria: CeGaT Center For Human Genetics Tuebingen Variant Classification Criteria Version 2. Collection method: clinical testing. Allele origin: germline. Affected: yes. Observed: 1 variant allele.
Comment: TRAPPC10: PM2:Supporting, BP4, BP7

NM_003274.5(TRAPPC10):c.3327G>A (p.Ser1109=)

Gene: TRAPPC10 (trafficking protein particle complex subunit 10; plus strand). Cytogenetic location: 21q22.3.
Variant type: single nucleotide variant.
Coding change: c.3327G>A on transcript NM_003274.5 (MANE Select); coding-DNA position 3327, G replaced by A.
Protein change: p.Ser1109=; no amino-acid change (serine 1109 retained).
Molecular consequence: synonymous variant.
Genome position (GRCh38, 1-based): chr21:44,098,515, G>A. VCF-style: chr21-44098515-G-A. GRCh37 (hg19) VCF-style: chr21-45518396-G-A.
Other names: c.1926G>A, p.Ser642= (NM_001351709.1).
Identifiers: ClinVar variation 3904961 (VCV003904961.10).